The following is an entry in ClinVar:

ClinVar aggregate classification (germline): Uncertain significance (1 of 4 stars; one submission).

Submission:

Ambry Genetics
Classification: Uncertain significance. Last evaluated: 2026-02-28. Review status: criteria provided, single submitter. Criteria: Ambry Variant Classification Scheme 2023. Collection method: clinical testing. Allele origin: germline.
Comment: The p.M386V variant (also known as c.1156A>G), located in coding exon 4 of the WNK2 gene, results from an A to G substitution at nucleotide position 1156. The methionine at codon 386 is replaced by valine, an amino acid with highly similar properties. This amino acid position is conserved. In addition, the in silico prediction for this alteration is inconclusive. Based on the available evidence, the clinical significance of this variant remains unclear.

NM_006648.4(WNK2):c.1156A>G (p.Met386Val)

Gene: WNK2 (WNK lysine deficient protein kinase 2; plus strand). Cytogenetic location: 9q22.31.
Variant type: single nucleotide variant.
Coding change: c.1156A>G on transcript NM_006648.4 (MANE Select); coding-DNA position 1156, A replaced by G.
Protein change: p.Met386Val; replaces methionine 386 with valine.
Molecular consequence: missense variant.
Genome position (GRCh38, 1-based): chr9:93,234,888, A>G. VCF-style: chr9-93234888-A-G. GRCh37 (hg19) VCF-style: chr9-95997170-A-G.
Other names: c.1156A>G, p.Met386Val (NM_001282394.3); short protein forms M386V.
Identifiers: ClinVar variation 4826222 (VCV004826222.1).
Genomic context (GRCh38, chr9:93,234,888, plus strand): 5'-CCCGAGATGTACGAGGAGCACTACGATGAGTCCGTGGACGTCTATGCCTTTGGGATGTGC[A>G]TGCTGGAGATGGCCACCTCGGAGTACCCCTACTCGGAGTGCCAGAATGCGGCCCAGATCT-3'
Protein context (NP_006639.3, residues 376-396): SVDVYAFGMC[Met386Val]LEMATSEYPY